The following is an entry in ClinVar:

NM_000410.4(HFE):c.189T>C (p.His63=)

Genes: HFE (homeostatic iron regulator; plus strand), HFE-AS1 (HFE antisense RNA 1; minus strand). Cytogenetic location: 6p22.2.
Variant type: single nucleotide variant.
Coding change: c.189T>C on transcript NM_000410.4 (MANE Select); coding-DNA position 189, T replaced by C.
Protein change: p.His63=; no amino-acid change (histidine 63 retained).
Molecular consequence: synonymous variant. On other transcripts: non-coding transcript variant (1), intron variant (5).
Genome position (GRCh38, 1-based): chr6:26,090,953, T>C. VCF-style: chr6-26090953-T-C. GRCh37 (hg19) VCF-style: chr6-26091181-T-C.
Other names: p.His63=; c.189T>C, p.His63= (NM_001300749.3, NM_001384164.1, NM_001406751.1 and 3 more transcripts); c.120T>C, p.His40= (NM_139009.3); c.77-361T>C (NM_139007.3, NM_001406752.1, NM_139008.3); c.77-1732T>C (NM_139010.3); c.77-2166T>C (NM_139011.3).
Identifiers: ClinVar variation 219411 (VCV000219411.22), dbSNP rs147426902, ClinGen allele CA348885.
Genomic context (GRCh38, chr6:26,090,953, plus strand): 5'-TCTTTCCTTGTTTGAAGCTTTGGGCTACGTGGATGACCAGCTGTTCGTGTTCTATGATCA[T>C]GAGAGTCGCCGTGTGGAGCCCCGAACTCCATGGGTTTCCAGTAGAATTTCAAGCCAGATG-3'
Protein context (NP_000401.1, residues 53-73): VDDQLFVFYD[His63=]ESRRVEPRTP

ClinVar aggregate classification (germline): Benign/Likely benign. Review status: criteria provided, multiple submitters, no conflicts (2 of 4 stars). 7 submissions from 7 submitters: Benign (2); Likely benign (5). Last evaluated 2026-02-03.

Conditions:
Hemochromatosis type 1 (HFE1). Also called: HFE-Related Hemochromatosis; HFE-Associated Hereditary Hemochromatosis. Identifiers: Orphanet 465508, MedGen C3469186, MONDO:0021001, OMIM 235200. Disease mechanism: loss of function.
Hereditary hemochromatosis (HFE). Identifiers: MedGen C0392514, MONDO:0006507. Disease mechanism: loss of function.
Inborn genetic diseases. Identifiers: MedGen C0950123, MeSH D030342.

Allele frequency attached by ClinVar (database versions not stated): gnomAD exomes 0.00023 and 0.00076; ExAC 0.00102; gnomAD 0.00285 and 0.00305; 1000 Genomes Project 30x 0.00297; 1000 Genomes Project 0.00300; TOPMed 0.00330; ESP Exome Variant Server 0.00423.
gnomAD v4.1: 788 of 1,614,190 alleles (0.049%); highest among the groups gnomAD compares: African/African-American, 0.95%; 5 homozygotes.

Submissions (7):

Labcorp Genetics (formerly Invitae), Labcorp
Classification: Benign for Hereditary hemochromatosis. Last evaluated: 2026-02-03. Review status: criteria provided, single submitter. Criteria: Invitae Variant Classification Sherloc (09022015). Collection method: clinical testing. Allele origin: germline.

Blueprint Genetics
Classification: Likely benign. Last evaluated: 2024-09-26. Review status: criteria provided, single submitter. Criteria: ACMG Guidelines, 2015. Collection method: clinical testing. Allele origin: germline.

Ambry Genetics
Classification: Likely benign for Inborn genetic diseases. Last evaluated: 2023-06-07. Review status: criteria provided, single submitter. Criteria: Ambry Variant Classification Scheme 2023. Collection method: clinical testing. Allele origin: germline.

Genome-Nilou Lab
Classification: Benign for Hemochromatosis type 1. Last evaluated: 2023-02-08. Review status: criteria provided, single submitter. Criteria: ACMG Guidelines, 2015. Collection method: clinical testing. Allele origin: germline.

Mayo Clinic Laboratories, Mayo Clinic
Classification: Likely benign. Last evaluated: 2023-01-19. Review status: criteria provided, single submitter. Criteria: ACMG Guidelines, 2015. Collection method: clinical testing. Allele origin: germline. Observed: 2 variant alleles.
Comment: BP4, BP7

Illumina Laboratory Services, Illumina
Classification: Likely benign for Hemochromatosis type 1. Last evaluated: 2017-04-28. Review status: criteria provided, single submitter. Criteria: ICSL Variant Classification Criteria 13 December 2019. Collection method: clinical testing. Allele origin: germline.
Comment: This variant was observed as part of a predisposition screen in an ostensibly healthy population. A literature search was performed for the gene, cDNA change, and amino acid change (where applicable). No publications were found based on this search. Allele frequency data from public databases allowed determination this variant is unlikely to cause disease. Therefore, this variant is classified as likely benign.

Breakthrough Genomics
Classification: Likely benign. Review status: criteria provided, single submitter. Criteria: ACMG Guidelines, 2015. Collection method: not provided. Allele origin: germline. Inheritance: Autosomal recessive inheritance. Affected: yes.

Literature cited by the submitters: PubMed 19759876 (cited by Mayo Clinic Laboratories, Mayo Clinic); PubMed 23657305 (cited by Mayo Clinic Laboratories, Mayo Clinic).